The following is an entry in ClinVar:

NM_130839.5(UBE3A):c.632T>C (p.Ile211Thr)

Genes: SNHG14 (small nucleolar RNA host gene 14; plus strand), UBE3A (ubiquitin protein ligase E3A; minus strand). Cytogenetic location: 15q11.2.
Variant type: single nucleotide variant.
Coding change: c.632T>C on transcript NM_130839.5 (MANE Select); coding-DNA position 632, T replaced by C.
Protein change: p.Ile211Thr; replaces isoleucine 211 with threonine.
Molecular consequence: missense variant. On other transcripts: non-coding transcript variant (1), intron variant (2).
Genome position (GRCh38, 1-based): chr15:25,371,542, A>G on the plus strand (T>C on the coding strand, the complement: UBE3A is on the minus strand). VCF-style: chr15-25371542-A-G. GRCh37 (hg19) VCF-style: chr15-25616689-A-G.
Other names: c.572T>C, p.Ile191Thr (NM_001354540.2, NM_001354541.2, NM_001354542.2 and 17 more transcripts); c.632T>C, p.Ile211Thr (NM_001354545.2, NM_001354505.1, NM_001354538.2); c.455T>C, p.Ile152Thr (NM_001354546.2); c.641T>C, p.Ile214Thr (NM_000462.5); c.301+3923T>C (NM_001354551.2); c.361+3923T>C (NM_001354550.2); short protein forms I191T, I211T, I214T, I152T.
Identifiers: ClinVar variation 3699526 (VCV003699526.2).

ClinVar aggregate classification (germline): Uncertain significance (1 of 4 stars; one submission).

Conditions:
Angelman syndrome (AS). Also called: HAPPY PUPPET SYNDROME. Identifiers: Orphanet 72, MedGen C0162635, MONDO:0007113, OMIM 105830. Disease mechanism: loss of function. Inheritance: AS is caused by disruption of maternally imprinted UBE3A located within the 15q11.2-q13 Angelman syndrome/Prader-Willi syndrome (AS/PWS) region., imprinting disorder.

Submission:

Labcorp Genetics (formerly Invitae), Labcorp
Classification: Uncertain significance for Angelman syndrome. Last evaluated: 2024-07-11. Review status: criteria provided, single submitter. Criteria: Invitae Variant Classification Sherloc (09022015). Collection method: clinical testing. Allele origin: germline.
Comment: This sequence change replaces isoleucine, which is neutral and non-polar, with threonine, which is neutral and polar, at codon 191 of the UBE3A protein (p.Ile191Thr). This variant is not present in population databases (gnomAD no frequency). This variant has not been reported in the literature in individuals affected with UBE3A-related conditions. An algorithm developed to predict the effect of missense changes on protein structure and function outputs the following: PolyPhen-2: "Benign". The threonine amino acid residue is found in multiple mammalian species, which suggests that this missense change does not adversely affect protein function. In summary, the available evidence is currently insufficient to determine the role of this variant in disease. Therefore, it has been classified as a Variant of Uncertain Significance.